The following is an entry in ClinVar:

NM_138694.4(PKHD1):c.11714T>A (p.Ile3905Asn)

Gene: PKHD1 (PKHD1 ciliary IPT domain containing fibrocystin/polyductin; minus strand). Cytogenetic location: 6p12.3.
Variant type: single nucleotide variant.
Coding change: c.11714T>A on transcript NM_138694.4 (MANE Select); coding-DNA position 11714, T replaced by A.
Protein change: p.Ile3905Asn; replaces isoleucine 3905 with asparagine.
Molecular consequence: missense variant.
Genome position (GRCh38, 1-based): chr6:51,627,068, A>T on the plus strand (T>A on the coding strand, the complement: PKHD1 is on the minus strand). VCF-style: chr6-51627068-A-T. GRCh37 (hg19) VCF-style: chr6-51491866-A-T.
Other names: short protein forms I3905N.
Identifiers: ClinVar variation 96373 (VCV000096373.36), dbSNP rs2661488, ClinGen allele CA149482.

ClinVar aggregate classification (germline): Benign/Likely benign. Review status: criteria provided, multiple submitters, no conflicts (2 of 4 stars). 11 submissions from 11 submitters: Benign (6); Likely benign (1). 4 of the submissions do not count toward it. Last evaluated 2026-02-04.

Conditions:
Autosomal recessive polycystic kidney disease (ARPKD). Also called: AR polycystic kidney disease. Identifiers: Orphanet 731, Orphanet 8378, MedGen C0085548, MeSH D017044, MONDO:0009889.
Polycystic kidney disease. Also called: Polycystic kidney dysplasia; Kidney, Polycystic. Identifiers: MedGen C0022680, MeSH D007690, MONDO:0020642, HP:0000113.

Allele frequency attached by ClinVar (database versions not stated): gnomAD exomes 0.02735; 1000 Genomes Project 30x 0.03966; ExAC 0.02863; gnomAD 0.04490 and 0.04261; TOPMed 0.04700; ESP Exome Variant Server 0.04798; 1000 Genomes Project 0.03854.
gnomAD v4.1: 46,833 of 1,610,104 alleles (2.9%); highest among the groups gnomAD compares: African/African-American, 9.4%; 975 homozygotes.

Submissions (11):

Labcorp Genetics (formerly Invitae), Labcorp
Classification: Benign for Autosomal recessive polycystic kidney disease. Last evaluated: 2026-02-04. Review status: criteria provided, single submitter. Criteria: Invitae Variant Classification Sherloc (09022015). Collection method: clinical testing. Allele origin: germline.

Blueprint Genetics
Classification: Likely benign. Last evaluated: 2024-11-26. Review status: criteria provided, single submitter. Criteria: ACMG Guidelines, 2015. Collection method: clinical testing. Allele origin: germline.

Mayo Clinic Laboratories, Mayo Clinic
Classification: Benign. Last evaluated: 2023-04-03. Review status: criteria provided, single submitter. Criteria: ACMG Guidelines, 2015. Collection method: clinical testing. Allele origin: germline. Observed: 43 variant alleles.

GeneDx
Classification: Benign. Last evaluated: 2018-07-09. Review status: criteria provided, single submitter. Criteria: GeneDx Variant Classification Process June 2021. Collection method: clinical testing. Allele origin: germline. Affected: yes.

Illumina Laboratory Services, Illumina
Classification: Benign for Polycystic kidney disease 4. Last evaluated: 2018-01-12. Review status: criteria provided, single submitter. Criteria: ICSL Variant Classification Criteria 13 December 2019. Collection method: clinical testing. Allele origin: germline.
Comment: This variant was observed in the ICSL laboratory as part of a predisposition screen in an ostensibly healthy population. It had not been previously curated by ICSL or reported in the Human Gene Mutation Database (HGMD: prior to June 1st, 2018), and was therefore a candidate for classification through an automated scoring system. Utilizing variant allele frequency, disease prevalence and penetrance estimates, and inheritance mode, an automated score was calculated to assess if this variant is too frequent to cause the disease. Based on the score and internal cut-off values, a variant classified as benign is not then subjected to further curation. The score for this variant resulted in a classification of benign for this disease.

Eurofins Ntd Llc (ga)
Classification: Benign. Last evaluated: 2016-02-04. Review status: criteria provided, single submitter. Criteria: EGL Classification Definitions 2015. Collection method: clinical testing. Allele origin: germline. Observed: 9 variant alleles, 9 heterozygotes.

PreventionGenetics, part of Exact Sciences
Classification: Benign. Review status: criteria provided, single submitter. Criteria: ACMG Guidelines, 2015. Collection method: clinical testing. Allele origin: germline.

Natera, Inc.
Classification: Benign for Autosomal recessive polycystic kidney disease. Last evaluated: 2017-05-11. Review status: no assertion criteria provided. Collection method: clinical testing. Allele origin: germline. Not counted in ClinVar's aggregate classification.

Department of Pathology and Laboratory Medicine, Sinai Health System
Classification: Benign for Polycystic Kidney disease. Review status: no assertion criteria provided. Collection method: clinical testing. Allele origin: unknown. Affected: yes. Study: The Canadian Open Genetics Repository (COGR). Not counted in ClinVar's aggregate classification.
Comment: The PKHD1 p.Ile3905Asn variant was identified in dbSNP (ID: rs2661488) â€šÃ„ÃºWith other alleleâ€šÃ„Ã¹ and in control databases in 7988 of 276978 chromosomes (184 homozygous) at a frequency of 0.03 increasing the likelihood this could be a low frequency benign variant (Genome Aggregation Database Feb 27, 2017). Breakdown of the observations by population include African in 2274 (102 homozygous) of 24016 chromosomes (freq: 0.09), Other in 143 of 6456 chromosomes (freq: 0.02), Latino in 1011 (17 homozygous) of 34356 chromosomes (freq: 0.03), European Non-Finnish in 3354 (43 homozygous) of 126578 chromosomes (freq: 0.03), Ashkenazi Jewish in 285 (5 homozygous) of 10144 chromosomes (freq: 0.03), East Asian in 7 of 18856 chromosomes (freq: 0.0004), European Finnish in 299 (3 homozygous) of 25790 chromosomes (freq: 0.01), and South Asian in 615 (14 homozygous) of 30782 chromosomes (freq: 0.02). The p.Ile3905Asn residue is not conserved in mammals and four out of five computational analyses (PolyPhen-2, SIFT, AlignGVGD, BLOSUM, MutationTaster) do not suggest a high likelihood of impact to the protein; however, this information is not predictive enough to rule out pathogenicity. The variant occurs outside of the splicing consensus sequence and in silico or computational prediction software programs (SpliceSiteFinder, MaxEntScan, NNSPLICE, GeneSplicer, HumanSpliceFinder) do not predict a difference in splicing. In summary, based on the above information this variant meets our laboratory criteria to be classified as benign.

Genome Diagnostics Laboratory, University Medical Center Utrecht
Classification: Benign. Review status: no assertion criteria provided. Collection method: clinical testing. Allele origin: germline. Affected: yes. Study: VKGL Data-share Consensus. Not counted in ClinVar's aggregate classification.

Laboratory of Diagnostic Genome Analysis, Leiden University Medical Center (LUMC)
Classification: Benign. Review status: no assertion criteria provided. Collection method: clinical testing. Allele origin: germline. Affected: yes. Study: VKGL Data-share Consensus. Not counted in ClinVar's aggregate classification.